The following is an entry in ClinVar:

ClinVar aggregate classification (germline): Uncertain significance (1 of 4 stars; one submission).

gnomAD v4.1: 43 of 1,611,662 alleles (0.0027%); highest among the groups gnomAD compares: Non-Finnish European, 0.0036%; no homozygotes.

Submission:

GeneDx
Classification: Uncertain significance. Last evaluated: 2023-12-20. Review status: criteria provided, single submitter. Criteria: GeneDx Variant Classification Process June 2021. Collection method: clinical testing. Allele origin: germline. Affected: yes.
Comment: In silico analysis supports that this missense variant does not alter protein structure/function; Has not been previously published as pathogenic or benign to our knowledge

NM_005630.3(SLCO2A1):c.398G>A (p.Gly133Glu)

Gene: SLCO2A1 (solute carrier organic anion transporter family member 2A1; minus strand). Cytogenetic location: 3q22.1.
Variant type: single nucleotide variant.
Coding change: c.398G>A on transcript NM_005630.3 (MANE Select); coding-DNA position 398, G replaced by A.
Protein change: p.Gly133Glu; replaces glycine 133 with glutamic acid.
Molecular consequence: missense variant.
Genome position (GRCh38, 1-based): chr3:133,955,193, C>T on the plus strand (G>A on the coding strand, the complement: SLCO2A1 is on the minus strand). VCF-style: chr3-133955193-C-T. GRCh37 (hg19) VCF-style: chr3-133674037-C-T.
Other names: short protein forms G133E.
Identifiers: ClinVar variation 3369958 (VCV003369958.1).